The following is an entry in ClinVar:

ClinVar aggregate classification (germline): Uncertain significance (1 of 4 stars; one submission).

Conditions:
Ehlers-Danlos syndrome, kyphoscoliotic type 1 (EDSKSCL1). Also called: EHLERS-DANLOS SYNDROME, OCULAR-SCOLIOTIC TYPE; PLOD1-Related Kyphoscoliotic Ehlers-Danlos Syndrome; Ehlers-Danlos syndrome, hydroxylysine-deficient; EHLERS-DANLOS SYNDROME, TYPE VIA. Identifiers: Orphanet 1900, MedGen C0268342, MONDO:0016002, OMIM 225400. Disease mechanism: loss of function.

Allele frequency attached by ClinVar (database versions not stated): gnomAD exomes below 0.00001 and 0.00002; ExAC 0.00001; TOPMed 0.00001.
gnomAD v4.1: 8 of 1,611,472 alleles (0.0005%); highest among the groups gnomAD compares: East Asian, 0.0022%; no homozygotes.

Submission:

Labcorp Genetics (formerly Invitae), Labcorp
Classification: Uncertain significance for Ehlers-Danlos syndrome, kyphoscoliotic type 1. Last evaluated: 2022-01-14. Review status: criteria provided, single submitter. Criteria: Invitae Variant Classification Sherloc (09022015). Collection method: clinical testing. Allele origin: germline.
Comment: This sequence change replaces lysine, which is basic and polar, with glutamine, which is neutral and polar, at codon 278 of the PLOD1 protein (p.Lys278Gln). This variant is present in population databases (rs776949094, gnomAD 0.006%). This variant has not been reported in the literature in individuals affected with PLOD1-related conditions. ClinVar contains an entry for this variant (Variation ID: 934592). Algorithms developed to predict the effect of missense changes on protein structure and function (SIFT, PolyPhen-2, Align-GVGD) all suggest that this variant is likely to be tolerated. In summary, the available evidence is currently insufficient to determine the role of this variant in disease. Therefore, it has been classified as a Variant of Uncertain Significance.

NM_000302.4(PLOD1):c.832A>C (p.Lys278Gln)

Gene: PLOD1 (procollagen-lysine,2-oxoglutarate 5-dioxygenase 1; plus strand). Cytogenetic location: 1p36.22.
Variant type: single nucleotide variant.
Coding change: c.832A>C on transcript NM_000302.4 (MANE Select); coding-DNA position 832, A replaced by C.
Protein change: p.Lys278Gln; replaces lysine 278 with glutamine.
Molecular consequence: missense variant.
Genome position (GRCh38, 1-based): chr1:11,957,932, A>C. VCF-style: chr1-11957932-A-C. GRCh37 (hg19) VCF-style: chr1-12017989-A-C.
Other names: c.973A>C, p.Lys325Gln (NM_001316320.2); short protein forms K278Q, K325Q.
Identifiers: ClinVar variation 934592 (VCV000934592.7), dbSNP rs776949094, ClinGen allele CA598150.
Genomic context (GRCh38, chr1:11,957,932, plus strand): 5'-CCGCGCTTCTGGACCTTCGAAACAGGCTGCACCGTGTGTGACGAAGGCTTGCGCAGCCTC[A>C]AGGGCATTGGGGTGAGGCTGCGCCCAGGCCTGTGCCTGAGGGACACGGGGGGCTCAGTCC-3'
Protein context (NP_000293.2, residues 268-288): TVCDEGLRSL[Lys278Gln]GIGDEALPTV